The following is an entry in ClinVar:

NM_001127222.2(CACNA1A):c.1225A>C (p.Thr409Pro)

Gene: CACNA1A (calcium voltage-gated channel subunit alpha1 A; minus strand). Cytogenetic location: 19p13.13.
Variant type: single nucleotide variant.
Coding change: c.1225A>C on transcript NM_001127222.2 (MANE Select); coding-DNA position 1225, A replaced by C.
Protein change: p.Thr409Pro; replaces threonine 409 with proline.
Molecular consequence: missense variant.
Genome position (GRCh38, 1-based): chr19:13,332,899, T>G on the plus strand (A>C on the coding strand, the complement: CACNA1A is on the minus strand). VCF-style: chr19-13332899-T-G. GRCh37 (hg19) VCF-style: chr19-13443713-T-G.
Other names: p.Thr409Pro; c.1225A>C, p.Thr409Pro (NM_000068.4, NM_001127221.2, NM_001174080.2 and 1 more transcripts); c.1225A>C (NM_001127222.1); short protein forms T409P.
Identifiers: ClinVar variation 420347 (VCV000420347.21), dbSNP rs187259531, ClinGen allele CA9240876.

ClinVar aggregate classification (germline): Conflicting classifications of pathogenicity. Review status: criteria provided, conflicting classifications (1 of 4 stars). 6 submissions from 6 submitters: Uncertain significance (3); Likely benign (2). 1 of the submissions does not count toward it. Last evaluated 2026-08-26.

Conditions:
CACNA1A-related disorder. Also called: CACNA1A-related condition.
Inborn genetic diseases. Identifiers: MedGen C0950123, MeSH D030342.
Episodic ataxia type 2 (EA2). Also called: ACETAZOLAMIDE-RESPONSIVE HEREDITARY PAROXYSMAL CEREBELLAR ATAXIA; EPISODIC ATAXIA, NYSTAGMUS-ASSOCIATED; ATAXIA, EPISODIC, WITH NYSTAGMUS; ATAXIA, FAMILIAL PAROXYSMAL; CEREBELLAR ATAXIA, PAROXYSMAL, ACETAZOLAMIDE-RESPONSIVE; CEREBELLOPATHY, HEREDITARY PAROXYSMAL. Identifiers: Orphanet 97, MedGen C1720416, MONDO:0007163, OMIM 108500.
Developmental and epileptic encephalopathy, 42 (DEE42A). Also called: Epileptic encephalopathy, early infantile, 42; DEVELOPMENTAL AND EPILEPTIC ENCEPHALOPATHY 42A; EPILEPTIC ENCEPHALOPATHY, EARLY INFANTILE, 42A. Identifiers: MedGen C4310716, MONDO:0014917, OMIM 617106.

Allele frequency attached by ClinVar (database versions not stated): gnomAD exomes below 0.00001 and 0.00001; ExAC 0.00001; gnomAD 0.00007 and 0.00009; 1000 Genomes Project 0.00020; TOPMed 0.00022; 1000 Genomes Project 30x 0.00031.
gnomAD v4.1: 25 of 1,612,972 alleles (0.0015%); highest among the groups gnomAD compares: Admixed American, 0.032%; no homozygotes.

Submissions (6):

Ambry Genetics
Classification: Likely benign for Inborn genetic diseases. Last evaluated: 2026-08-26. Review status: criteria provided, single submitter. Criteria: Ambry Variant Classification Scheme 2023. Collection method: clinical testing. Allele origin: germline.

GeneDx
Classification: Uncertain significance. Last evaluated: 2026-02-14. Review status: criteria provided, single submitter. Criteria: GeneDx Variant Classification Process June 2021. Collection method: clinical testing. Allele origin: germline. Affected: yes.
Comment: In silico analysis supports that this missense variant has a deleterious effect on protein structure/function; Has not been previously published as pathogenic or benign to our knowledge

Labcorp Genetics (formerly Invitae), Labcorp
Classification: Likely benign for Developmental and epileptic encephalopathy, 42; Episodic ataxia type 2. Last evaluated: 2025-12-16. Review status: criteria provided, single submitter. Criteria: Invitae Variant Classification Sherloc (09022015). Collection method: clinical testing. Allele origin: germline.

Mayo Clinic Laboratories, Mayo Clinic
Classification: Uncertain significance. Last evaluated: 2023-09-08. Review status: criteria provided, single submitter. Criteria: ACMG Guidelines, 2015. Collection method: clinical testing. Allele origin: germline. Observed: 1 variant allele.

Athena Diagnostics
Classification: Uncertain significance. Last evaluated: 2019-08-16. Review status: criteria provided, single submitter. Criteria: Athena Diagnostics Criteria. Collection method: clinical testing. Allele origin: germline.

PreventionGenetics, part of Exact Sciences
Classification: Likely benign for CACNA1A-related condition. Last evaluated: 2024-05-09. Review status: no assertion criteria provided. Collection method: clinical testing. Allele origin: germline. Not counted in ClinVar's aggregate classification.
Comment: This variant is classified as likely benign based on ACMG/AMP sequence variant interpretation guidelines (Richards et al. 2015 PMID: 25741868, with internal and published modifications).